The following is an entry in ClinVar:

NM_001166108.2(PALLD):c.1672C>T (p.His558Tyr)

Gene: PALLD (palladin, cytoskeletal associated protein; plus strand). Cytogenetic location: 4q32.3.
Variant type: single nucleotide variant.
Coding change: c.1672C>T on transcript NM_001166108.2 (MANE Select); coding-DNA position 1672, C replaced by T.
Protein change: p.His558Tyr; replaces histidine 558 with tyrosine.
Molecular consequence: missense variant.
Genome position (GRCh38, 1-based): chr4:168,711,631, C>T. VCF-style: chr4-168711631-C-T. GRCh37 (hg19) VCF-style: chr4-169632782-C-T.
Other names: c.526C>T, p.His176Tyr (NM_001166109.2); c.1672C>T, p.His558Tyr (NM_016081.4); short protein forms H558Y, H176Y.
Identifiers: ClinVar variation 1777726 (VCV001777726.2), dbSNP rs1784846323, ClinGen allele CA358797966.

ClinVar aggregate classification (germline): Uncertain significance (1 of 4 stars; one submission).

gnomAD v4.1: 1 of 1,614,032 alleles (0.000062%); highest among the groups gnomAD compares: Non-Finnish European, 0.000085%; no homozygotes.

Submission:

Ambry Genetics
Classification: Uncertain significance. Last evaluated: 2022-08-29. Review status: criteria provided, single submitter. Criteria: Ambry Variant Classification Scheme 2023. Collection method: clinical testing. Allele origin: germline.
Comment: The p.H558Y variant (also known as c.1672C>T), located in coding exon 9 of the PALLD gene, results from a C to T substitution at nucleotide position 1672. The histidine at codon 558 is replaced by tyrosine, an amino acid with similar properties. This amino acid position is conserved. In addition, this alteration is predicted to be tolerated by in silico analysis. Since supporting evidence is limited at this time, the clinical significance of this alteration remains unclear.